The following is an entry in ClinVar:

ClinVar aggregate classification (germline): Pathogenic (1 of 4 stars; one submission).

Submission:

Labcorp Genetics (formerly Invitae), Labcorp
Classification: Pathogenic. Last evaluated: 2024-07-15. Review status: criteria provided, single submitter. Criteria: Invitae Variant Classification Sherloc (09022015). Collection method: clinical testing. Allele origin: germline.
Comment: This sequence change results in a frameshift in the SMPX gene (p.Tyr82Leufs*16). While this is not anticipated to result in nonsense mediated decay, it is expected to disrupt the last 7 amino acid(s) of the SMPX protein and extend the protein by 8 additional amino acid residues. This variant is not present in population databases (gnomAD no frequency). This frameshift has been observed in individual(s) with deafness (PMID: 26969326; Invitae). It has also been observed to segregate with disease in related individuals. This variant disrupts a region of the SMPX protein in which other variant(s) (p.Glun88Glu) have been determined to be pathogenic (PMID: 33708524). This suggests that this is a clinically significant region of the protein, and that variants that disrupt it are likely to be disease-causing. For these reasons, this variant has been classified as Pathogenic.

Literature cited by the submitters: PubMed 26969326; PubMed 33708524.

NM_014332.3(SMPX):c.245del (p.Tyr82fs)

Gene: SMPX (small muscle protein X-linked; minus strand). Cytogenetic location: Xp22.12.
Variant type: Deletion.
Coding change: c.245del on transcript NM_014332.3 (MANE Select); coding-DNA position 245, one base deleted (A; older notation c.245delA).
Protein change: p.Tyr82fs; shifts the reading frame from tyrosine 82.
Molecular consequence: frameshift variant. On other transcripts: non-coding transcript variant (1).
Genome position (GRCh38, 1-based): chrX:21,737,585, T deleted on the plus strand (A on the coding strand, the reverse complement: SMPX is on the minus strand). VCF-style (leftmost placement, unchanged base first): chrX-21737584-AT-A. GRCh37 (hg19) VCF-style: chrX-21755702-AT-A.
Other names: short protein forms Y82fs.
Identifiers: ClinVar variation 3724097 (VCV003724097.2).